The following is an entry in ClinVar:

ClinVar aggregate classification (germline): Benign. Review status: criteria provided, multiple submitters, no conflicts (2 of 4 stars). 2 submissions from 2 submitters: Benign (2). Last evaluated 2018-06-19.

Allele frequency attached by ClinVar (database versions not stated): gnomAD 0.04727 and 0.05015; TOPMed 0.05296; 1000 Genomes Project 0.05411; 1000 Genomes Project 30x 0.05637.
gnomAD v4.1: 7,108 of 151,918 alleles (4.7%); highest among the groups gnomAD compares: African/African-American, 16%; 534 homozygotes.

Submissions (2):

GeneDx
Classification: Benign. Last evaluated: 2018-06-19. Review status: criteria provided, single submitter. Criteria: GeneDx Variant Classification (06012015). Collection method: clinical testing. Allele origin: germline. Affected: yes.
Comment: This variant is considered likely benign or benign based on one or more of the following criteria: it is a conservative change, it occurs at a poorly conserved position in the protein, it is predicted to be benign by multiple in silico algorithms, and/or has population frequency not consistent with disease.

Breakthrough Genomics
Classification: Benign. Review status: criteria provided, single submitter. Criteria: ACMG Guidelines, 2015. Collection method: not provided. Allele origin: germline. Inheritance: Autosomal recessive inheritance. Affected: yes.

NM_000334.4(SCN4A):c.3441+164G>C

Genes: GH-LCR (growth hormone locus control region; plus strand), SCN4A (sodium voltage-gated channel alpha subunit 4; minus strand). Cytogenetic location: 17q23.3.
Variant type: single nucleotide variant.
Coding change: c.3441+164G>C on transcript NM_000334.4 (MANE Select); 164 bases into the intron after coding-DNA position 3441, G replaced by C.
Molecular consequence: intron variant.
Genome position (GRCh38, 1-based): chr17:63,946,881, C>G on the plus strand (G>C on the coding strand, the complement: SCN4A is on the minus strand). VCF-style: chr17-63946881-C-G. GRCh37 (hg19) VCF-style: chr17-62024241-C-G.
Identifiers: ClinVar variation 678287 (VCV000678287.2), dbSNP rs8075954, ClinGen allele CA14466823.